The following is an entry in ClinVar:

ClinVar aggregate classification (germline): Likely benign. Review status: criteria provided, multiple submitters, no conflicts (2 of 4 stars). 3 submissions from 3 submitters: Likely benign (3). Last evaluated 2026-02-01.

Allele frequency attached by ClinVar (database versions not stated): gnomAD exomes 0.00003; TOPMed 0.00004; gnomAD 0.00007.
gnomAD v4.1: 57 of 1,612,868 alleles (0.0035%); highest among the groups gnomAD compares: African/African-American, 0.037%; no homozygotes.

Submissions (3):

CeGaT Center for Human Genetics Tuebingen
Classification: Likely benign. Last evaluated: 2026-02-01. Review status: criteria provided, single submitter. Criteria: CeGaT Center For Human Genetics Tuebingen Variant Classification Criteria Version 2. Collection method: clinical testing. Allele origin: germline. Affected: yes. Observed: 1 variant allele.
Comment: AUTS2: BP4, BP7

Labcorp Genetics (formerly Invitae), Labcorp
Classification: Likely benign. Last evaluated: 2026-01-26. Review status: criteria provided, single submitter. Criteria: Invitae Variant Classification Sherloc (09022015). Collection method: clinical testing. Allele origin: germline.

Blueprint Genetics
Classification: Likely benign. Last evaluated: 2022-11-11. Review status: criteria provided, single submitter. Criteria: ACMG Guidelines, 2015. Collection method: clinical testing. Allele origin: germline.

NM_015570.4(AUTS2):c.3048G>A (p.Pro1016=)

Gene: AUTS2 (activator of transcription and developmental regulator AUTS2; plus strand). Cytogenetic location: 7q11.22.
Variant type: single nucleotide variant.
Coding change: c.3048G>A on transcript NM_015570.4 (MANE Select); coding-DNA position 3048, G replaced by A.
Protein change: p.Pro1016=; no amino-acid change (proline 1016 retained).
Molecular consequence: synonymous variant.
Genome position (GRCh38, 1-based): chr7:70,790,264, G>A. VCF-style: chr7-70790264-G-A. GRCh37 (hg19) VCF-style: chr7-70255250-G-A.
Other names: c.2976G>A, p.Pro992= (NM_001127231.3).
Identifiers: ClinVar variation 2185338 (VCV002185338.9), dbSNP rs540458827, ClinGen allele CA160016433.